The following is an entry in ClinVar:

ClinVar aggregate classification (germline): Uncertain significance (1 of 4 stars; one submission).

Submission:

Labcorp Genetics (formerly Invitae), Labcorp
Classification: Uncertain significance. Last evaluated: 2022-01-06. Review status: criteria provided, single submitter. Criteria: Invitae Variant Classification Sherloc (09022015). Collection method: clinical testing. Allele origin: germline.
Comment: This variant is not present in population databases (gnomAD no frequency). This sequence change replaces leucine, which is neutral and non-polar, with isoleucine, which is neutral and non-polar, at codon 1340 of the CACNA1D protein (p.Leu1340Ile). This variant has not been reported in the literature in individuals affected with CACNA1D-related conditions. In summary, the available evidence is currently insufficient to determine the role of this variant in disease. Therefore, it has been classified as a Variant of Uncertain Significance. Algorithms developed to predict the effect of missense changes on protein structure and function are either unavailable or do not agree on the potential impact of this missense change (SIFT: "Deleterious"; PolyPhen-2: "Probably Damaging"; Align-GVGD: "Class C0").

NM_001128840.3(CACNA1D):c.3958C>A (p.Leu1320Ile)

Gene: CACNA1D (calcium voltage-gated channel subunit alpha1 D; plus strand). Cytogenetic location: 3p21.1.
Variant type: single nucleotide variant.
Coding change: c.3958C>A on transcript NM_001128840.3 (MANE Select); coding-DNA position 3958, C replaced by A.
Protein change: p.Leu1320Ile; replaces leucine 1320 with isoleucine.
Molecular consequence: missense variant.
Genome position (GRCh38, 1-based): chr3:53,770,466, C>A. VCF-style: chr3-53770466-C-A. GRCh37 (hg19) VCF-style: chr3-53804493-C-A.
Other names: c.4018C>A, p.Leu1340Ile (NM_000720.4); c.3913C>A, p.Leu1305Ile (NM_001128839.3); short protein forms L1320I, L1305I, L1340I.
Identifiers: ClinVar variation 2076231 (VCV002076231.4), dbSNP rs2474190228, ClinGen allele CA353257462.